The following is an entry in ClinVar:

NM_014112.5(TRPS1):c.2085_2089del (p.Arg696fs)

Gene: TRPS1 (transcriptional repressor GATA binding 1; minus strand). Cytogenetic location: 8q23.3.
Variant type: Deletion.
Coding change: c.2085_2089del on transcript NM_014112.5 (MANE Select); coding-DNA positions 2085 to 2089, 5 bases deleted (CCGAC; older notation c.2085_2089delCCGAC).
Protein change: p.Arg696fs; shifts the reading frame from arginine 696.
Molecular consequence: frameshift variant.
Genome position (GRCh38, 1-based): chr8:115,603,880-115,603,884, GTCGG deleted on the plus strand (CCGAC on the coding strand, the reverse complement: TRPS1 is on the minus strand); deleting any 5 consecutive bases within chr8:115,603,880-115,603,885 gives the same sequence; the c. name uses the placement nearest the transcript's 3' end. VCF-style (leftmost placement, unchanged base first): chr8-115603879-TGTCGG-T. GRCh37 (hg19) VCF-style: chr8-116616106-TGTCGG-T.
Other names: c.2058_2062del, p.Arg687fs (NM_001282902.3); c.2064_2068del, p.Arg689fs (NM_001282903.3); c.2046_2050del, p.Arg683fs (NM_001330599.2); c.2085_2089delCCGAC (NM_014112.5); short protein forms R683fs, R687fs, R689fs, R696fs.
Identifiers: ClinVar variation 4851500 (VCV004851500.1).

ClinVar aggregate classification (germline): Likely pathogenic (1 of 4 stars; one submission).

Conditions:
Trichorhinophalangeal dysplasia type I (TRPS1). Also called: TRICHORHINOPHALANGEAL SYNDROME, TYPE I; TRPS I. Identifiers: Orphanet 77258, MedGen C0432233, MONDO:0008596, OMIM 190350.

Submission:

Division of Clinical Genetics, Department of Pediatrics, Seoul National University Children's Hospital
Classification: Likely pathogenic for Trichorhinophalangeal dysplasia type I. Last evaluated: 2026-05-24. Review status: criteria provided, single submitter. Criteria: ACMG Guidelines, 2015. Collection method: clinical testing. Allele origin: paternal. Affected: yes.
Comment: TRPS1 loss-of-function variants are an established cause of Trichorhinophalangeal syndrome, type I (TRPS1; OMIM #190350). The variant NM_014112.5:c.2085_2089delCCGAC is located in exon 4 of TRPS1 and results in a frameshift, predicted to lead to nonsense-mediated mRNA decay or a truncated non-functional protein, qualifying as a null variant (PVS1). This variant is absent from the general population in gnomAD v4.1.1 (PM2). Based on these findings, this variant is classified as Likely Pathogenic according to the ACMG/AMP variant interpretation guidelines (Richards et al., 2015, PMID:25741868).